The following is an entry in ClinVar:

NM_003900.5(SQSTM1):c.938A>G (p.Lys313Arg)

Gene: SQSTM1 (sequestosome 1; plus strand). Cytogenetic location: 5q35.3.
Variant type: single nucleotide variant.
Coding change: c.938A>G on transcript NM_003900.5 (MANE Select); coding-DNA position 938, A replaced by G.
Protein change: p.Lys313Arg; replaces lysine 313 with arginine.
Molecular consequence: missense variant.
Genome position (GRCh38, 1-based): chr5:179,833,215, A>G. VCF-style: chr5-179833215-A-G. GRCh37 (hg19) VCF-style: chr5-179260215-A-G.
Other names: c.686A>G, p.Lys229Arg (NM_001142298.2, NM_001142299.2); short protein forms K313R, K229R.
Identifiers: ClinVar variation 1518141 (VCV001518141.6), dbSNP rs1460912506, ClinGen allele CA362451992.

ClinVar aggregate classification (germline): Uncertain significance (1 of 4 stars; one submission).

Conditions:
Frontotemporal dementia and/or amyotrophic lateral sclerosis 1 (FTDALS1). Also called: Frontotemporal dementia with motor neuron disease 1; C9orf72 Frontotemporal Dementia and/or Amyotrophic Lateral Sclerosis. Identifiers: Orphanet 275872, MedGen C5779877, MONDO:0007105, OMIM 105550.
Paget disease of bone 2, early-onset (PDB2). Also called: Paget disease of bone 2. Identifiers: MedGen C4085251, MONDO:0011183, OMIM 602080.

Allele frequency attached by ClinVar (database versions not stated): TOPMed below 0.00001; gnomAD 0.00001.
gnomAD v4.1: 2 of 1,606,778 alleles (0.00012%); highest among the groups gnomAD compares: African/African-American, 0.0013%; no homozygotes.

Submission:

Labcorp Genetics (formerly Invitae), Labcorp
Classification: Uncertain significance for Paget disease of bone 2, early-onset; Frontotemporal dementia and/or amyotrophic lateral sclerosis 1. Last evaluated: 2025-04-03. Review status: criteria provided, single submitter. Criteria: Invitae Variant Classification Sherloc (09022015). Collection method: clinical testing. Allele origin: germline.
Comment: This sequence change replaces lysine, which is basic and polar, with arginine, which is basic and polar, at codon 313 of the SQSTM1 protein (p.Lys313Arg). This variant is present in population databases (no rsID available, gnomAD 0.3%). This variant has not been reported in the literature in individuals affected with SQSTM1-related conditions. ClinVar contains an entry for this variant (Variation ID: 1518141). Invitae Evidence Modeling of protein sequence and biophysical properties (such as structural, functional, and spatial information, amino acid conservation, physicochemical variation, residue mobility, and thermodynamic stability) indicates that this missense variant is not expected to disrupt SQSTM1 protein function with a negative predictive value of 80%. In summary, the available evidence is currently insufficient to determine the role of this variant in disease. Therefore, it has been classified as a Variant of Uncertain Significance.